The following is an entry in ClinVar:

NM_020949.3(SLC7A14):c.1168G>C (p.Val390Leu)

Genes: SLC7A14 (solute carrier family 7 member 14; minus strand), SLC7A14-AS1 (SLC7A14 antisense RNA 1; plus strand). Cytogenetic location: 3q26.2.
Variant type: single nucleotide variant.
Coding change: c.1168G>C on transcript NM_020949.3 (MANE Select); coding-DNA position 1168, G replaced by C.
Protein change: p.Val390Leu; replaces valine 390 with leucine.
Molecular consequence: missense variant.
Genome position (GRCh38, 1-based): chr3:170,481,114, C>G on the plus strand (G>C on the coding strand, the complement: SLC7A14 is on the minus strand). VCF-style: chr3-170481114-C-G. GRCh37 (hg19) VCF-style: chr3-170198903-C-G.
Other names: short protein forms V390L.
Identifiers: ClinVar variation 847045 (VCV000847045.29), dbSNP rs142416793, ClinGen allele CA2701681.

ClinVar aggregate classification (germline): Conflicting classifications of pathogenicity. Review status: criteria provided, conflicting classifications (1 of 4 stars). 9 submissions from 8 submitters: Uncertain significance (5); Likely benign (2). 2 of the submissions do not count toward it. Last evaluated 2026-01-12.

Conditions:
Optic atrophy. Identifiers: MedGen C0029124, MONDO:0003608, HP:0000648.
Retinal dystrophy. Also called: Inherited retinal dystrophy. Identifiers: Orphanet 71862, MedGen C0854723, MeSH D058499, MONDO:0019118, HP:0000556.
Retinitis pigmentosa 68 (RP68). Identifiers: Orphanet 791, MedGen C3810380, MONDO:0014323, OMIM 615725.

Allele frequency attached by ClinVar (database versions not stated): 1000 Genomes Project 0.00020; 1000 Genomes Project 30x 0.00031; ESP Exome Variant Server 0.00100; TOPMed 0.00127.

Submissions (9):

Labcorp Genetics (formerly Invitae), Labcorp
Classification: Uncertain significance. Last evaluated: 2026-01-12. Review status: criteria provided, single submitter. Criteria: Invitae Variant Classification Sherloc (09022015). Collection method: clinical testing. Allele origin: germline.
Comment: This sequence change replaces valine, which is neutral and non-polar, with leucine, which is neutral and non-polar, at codon 390 of the SLC7A14 protein (p.Val390Leu). This variant is present in population databases (rs142416793, gnomAD 0.2%), and has an allele count higher than expected for a pathogenic variant. This variant has not been reported in the literature in individuals affected with SLC7A14-related conditions. ClinVar contains an entry for this variant (Variation ID: 847045). An algorithm developed to predict the effect of missense changes on protein structure and function (PolyPhen-2) suggests that this variant is likely to be tolerated. In summary, the available evidence is currently insufficient to determine the role of this variant in disease. Therefore, it has been classified as a Variant of Uncertain Significance.

Blueprint Genetics
Classification: Likely benign. Last evaluated: 2024-10-21. Review status: criteria provided, single submitter. Criteria: ACMG Guidelines, 2015. Collection method: clinical testing. Allele origin: germline.

CeGaT Center for Human Genetics Tuebingen
Classification: Likely benign. Last evaluated: 2024-07-01. Review status: criteria provided, single submitter. Criteria: CeGaT Center For Human Genetics Tuebingen Variant Classification Criteria Version 2. Collection method: clinical testing. Allele origin: germline. Affected: yes. Observed: 1 variant allele.
Comment: SLC7A14: PP3, BS2

Ambry Genetics
Classification: Uncertain significance. Last evaluated: 2023-11-15. Review status: criteria provided, single submitter. Criteria: Ambry Variant Classification Scheme 2023. Collection method: clinical testing. Allele origin: germline.

Women's Health and Genetics/Laboratory Corporation of America, LabCorp
Classification: Uncertain significance. Last evaluated: 2022-10-05. Review status: criteria provided, single submitter. Criteria: LabCorp Variant Classification Summary - May 2015. Collection method: clinical testing. Allele origin: germline.
Comment: Variant summary: SLC7A14 c.1168G>C (p.Val390Leu) results in a conservative amino acid change in the encoded protein sequence. Three of five in-silico tools predict a damaging effect of the variant on protein function. The variant allele was found at a frequency of 0.00088 in 248694 control chromosomes, predominantly at a frequency of 0.0016 within the Non-Finnish European subpopulation in the gnomAD database. The variant, c.1168G>C, has been reported in the literature in heterozygous state in an individual affected with nonsyndromic retinal dystrophy (Rodriguez-Munoz_2020), however, in this patient a co-occurrence with a homozygous pathogenic variant has also been reported (RPE65 c.1022T>C, p.Leu341Ser) which could explain the patient's phenotype, therefore providing supporting evidence for a benign role. To our knowledge, no experimental evidence demonstrating an impact on protein function has been reported. One clinical diagnostic laboratory has submitted clinical-significance assessments for this variant to ClinVar after 2014, and classified the variant as uncertain significance. Based on the evidence outlined above, the variant was classified as VUS-possibly benign.

Fulgent Genetics
Classification: Uncertain significance for Retinitis pigmentosa 68. Last evaluated: 2022-02-24. Review status: criteria provided, single submitter. Criteria: ACMG Guidelines, 2015. Collection method: clinical testing. Allele origin: unknown.

Breakthrough Genomics
Classification: Uncertain significance. Review status: criteria provided, single submitter. Criteria: ACMG Guidelines, 2015. Collection method: not provided. Allele origin: germline. Inheritance: Autosomal recessive inheritance. Affected: yes.

Institute of Human Genetics, Univ. Regensburg, Univ. Regensburg
Classification: Uncertain significance for Optic atrophy. Last evaluated: 2023-01-01. Review status: no assertion criteria provided. Criteria: ACMG Guidelines, 2015. Collection method: clinical testing. Allele origin: germline. Affected: yes. Not counted in ClinVar's aggregate classification.

Institute of Human Genetics, Univ. Regensburg, Univ. Regensburg
Classification: Uncertain significance for Retinal dystrophy. Last evaluated: 2023-01-01. Review status: no assertion criteria provided. Criteria: ACMG Guidelines, 2015. Collection method: clinical testing. Allele origin: germline. Affected: yes. Not counted in ClinVar's aggregate classification.

Literature cited by the submitters: PubMed 32036094 (cited by Women's Health and Genetics/Laboratory Corporation of America, LabCorp).